The following is an entry in ClinVar:

ClinVar aggregate classification (germline): Likely pathogenic (1 of 4 stars; one submission).

Conditions:
SKIN/HAIR/EYE PIGMENTATION 5, BLACK/NONBLACK HAIR (SHEP5). Also called: SKIN/HAIR/EYE PIGMENTATION, VARIATION IN, 5; SKIN/HAIR/EYE PIGMENTATION 5, DARK/FAIR SKIN; SKIN/HAIR/EYE PIGMENTATION 5, DARK/LIGHT EYES. Identifiers: MedGen C2673584, OMIM 227240.
Oculocutaneous albinism type 4 (OCA4). Also called: Albinism, oculocutaneous, type IV. Identifiers: Orphanet 79435, MedGen C1847836, MONDO:0011683, OMIM 606574.

Submission:

Laboratory of Genetic Epidemiology, Research Centre for Medical Genetics
Classification: Likely pathogenic for SKIN/HAIR/EYE PIGMENTATION 5, BLACK/NONBLACK HAIR; Oculocutaneous albinism type 4. Last evaluated: 2025-01-01. Review status: criteria provided, single submitter. Criteria: ACMG Guidelines, 2015. Collection method: clinical testing. Allele origin: paternal. Inheritance: Autosomal recessive inheritance. Affected: yes. Observed: 1 compound heterozygote.
Comment: This variant has not been previously reported in the literature and is not listed in gnomAD v3.1.2. The affected amino acid position is evolutionarily conserved, and located in the topological domain of SLC45A2. The variant NM_016180.4:c.181C>T, p.(Leu61Phe) may disrupt the protein's spatial structure in this region, impairing its function in ion transport to melanosomes. Multiple in silico prediction tools support a deleterious effect. Taken together, the variant meets the following ACMG/AMP criteria and can be classified as likely pathogenic with PM2, PP3, PM3, PP4 criteria.

Literature cited by the submitters: PubMed 41428507.

NM_016180.5(SLC45A2):c.181C>T (p.Leu61Phe)

Gene: SLC45A2 (solute carrier family 45 member 2; minus strand). Cytogenetic location: 5p13.2.
Variant type: single nucleotide variant.
Coding change: c.181C>T on transcript NM_016180.5 (MANE Select); coding-DNA position 181, C replaced by T.
Protein change: p.Leu61Phe; replaces leucine 61 with phenylalanine.
Molecular consequence: missense variant.
Genome position (GRCh38, 1-based): chr5:33,984,403, G>A on the plus strand (C>T on the coding strand, the complement: SLC45A2 is on the minus strand). VCF-style: chr5-33984403-G-A. GRCh37 (hg19) VCF-style: chr5-33984508-G-A.
Other names: c.181C>T, p.Leu61Phe (NM_001012509.4, NM_001297417.4); short protein forms L61F.
Identifiers: ClinVar variation 4077128 (VCV004077128.1).